The following is an entry in ClinVar:

ClinVar aggregate classification (germline): Uncertain significance. Review status: criteria provided, multiple submitters, no conflicts (2 of 4 stars). 5 submissions from 5 submitters: Uncertain significance (5). Last evaluated 2026-01-21.

Conditions:
Facial dysmorphism-immunodeficiency-livedo-short stature syndrome. Also called: Facial dysmorphism, immunodeficiency, livedo, and short stature; FILS syndrome. Identifiers: Orphanet 352712, MedGen C3554576, MONDO:0014058, OMIM 615139.
Colorectal cancer, susceptibility to, 12 (CRCS12). Also called: COLORECTAL CANCER, SUSCEPTIBILITY TO, ON CHROMOSOME 12q24. Identifiers: Orphanet 220460, MedGen C3554460, MONDO:0014038, OMIM 615083.
Intrauterine growth retardation, metaphyseal dysplasia, adrenal hypoplasia congenita, genital anomalies, and immunodeficiency. Also called: IMAGEI SYNDROME. Identifiers: MedGen C5193036, MONDO:0032684, OMIM 618336.
Hereditary cancer-predisposing syndrome. Also called: Hereditary neoplastic syndrome; Neoplastic Syndromes, Hereditary; Hereditary Cancer Syndrome; Tumor predisposition. Identifiers: Orphanet 140162, MedGen C0027672, MeSH D009386, MONDO:0015356.

Allele frequency attached by ClinVar (database versions not stated): gnomAD exomes 0.00001; ExAC 0.00002; 1000 Genomes Project 0.00020; 1000 Genomes Project 30x 0.00031.
gnomAD v4.1: 4 of 1,613,944 alleles (0.00025%); highest among the groups gnomAD compares: East Asian, 0.0022%; no homozygotes.

Submissions (5):

Labcorp Genetics (formerly Invitae), Labcorp
Classification: Uncertain significance. Last evaluated: 2026-01-21. Review status: criteria provided, single submitter. Criteria: Invitae Variant Classification Sherloc (09022015). Collection method: clinical testing. Allele origin: germline.
Comment: This sequence change replaces arginine, which is basic and polar, with cysteine, which is neutral and slightly polar, at codon 1878 of the POLE protein (p.Arg1878Cys). This variant is present in population databases (rs199979862, gnomAD 0.003%). This variant has not been reported in the literature in individuals affected with POLE-related conditions. ClinVar contains an entry for this variant (Variation ID: 405669). Invitae Evidence Modeling of protein sequence and biophysical properties (such as structural, functional, and spatial information, amino acid conservation, physicochemical variation, residue mobility, and thermodynamic stability) indicates that this missense variant is not expected to disrupt POLE protein function with a negative predictive value of 80%. In summary, the available evidence is currently insufficient to determine the role of this variant in disease. Therefore, it has been classified as a Variant of Uncertain Significance.

Ambry Genetics
Classification: Uncertain significance for Hereditary cancer-predisposing syndrome. Last evaluated: 2025-01-15. Review status: criteria provided, single submitter. Criteria: Ambry Variant Classification Scheme 2023. Collection method: clinical testing. Allele origin: germline.
Comment: The p.R1878C variant (also known as c.5632C>T), located in coding exon 41 of the POLE gene, results from a C to T substitution at nucleotide position 5632. The arginine at codon 1878 is replaced by cysteine, an amino acid with highly dissimilar properties. This amino acid position is well conserved in available vertebrate species. In addition, the in silico prediction for this alteration is inconclusive. Based on the available evidence, the clinical significance of this variant remains unclear.

Department of Pathology and Laboratory Medicine, Sinai Health System
Classification: Uncertain significance for Colorectal cancer, susceptibility to, 12; Facial dysmorphism-immunodeficiency-livedo-short stature syndrome; Intrauterine growth retardation, metaphyseal dysplasia, adrenal hypoplasia congenita, genital anomalies, and immunodeficiency. Last evaluated: 2024-12-23. Review status: criteria provided, single submitter. Criteria: ACMG Guidelines, 2015. Collection method: clinical testing. Allele origin: germline.

Blueprint Genetics
Classification: Uncertain significance. Last evaluated: 2023-02-10. Review status: criteria provided, single submitter. Criteria: ACMG Guidelines, 2015. Collection method: clinical testing. Allele origin: germline.

Breakthrough Genomics
Classification: Uncertain significance. Review status: criteria provided, single submitter. Criteria: ACMG Guidelines, 2015. Collection method: not provided. Allele origin: germline. Inheritance: Autosomal recessive inheritance. Affected: yes.

NM_006231.4(POLE):c.5632C>T (p.Arg1878Cys)

Gene: POLE (DNA polymerase epsilon, catalytic subunit; minus strand). Cytogenetic location: 12q24.33.
Variant type: single nucleotide variant.
Coding change: c.5632C>T on transcript NM_006231.4 (MANE Select); coding-DNA position 5632, C replaced by T.
Protein change: p.Arg1878Cys; replaces arginine 1878 with cysteine.
Molecular consequence: missense variant.
Genome position (GRCh38, 1-based): chr12:132,638,060, G>A on the plus strand (C>T on the coding strand, the complement: POLE is on the minus strand). VCF-style: chr12-132638060-G-A. GRCh37 (hg19) VCF-style: chr12-133214646-G-A.
Other names: c.5632C>T (NM_006231.2); short protein forms R1878C.
Identifiers: ClinVar variation 405669 (VCV000405669.12), dbSNP rs199979862, ClinGen allele CA6892457.